The following is an entry in ClinVar:

ClinVar aggregate classification (germline): Uncertain significance (1 of 4 stars; one submission).

Allele frequency attached by ClinVar (database versions not stated): gnomAD exomes 0.00001; TOPMed 0.00003.
gnomAD v4.1: 21 of 1,614,076 alleles (0.0013%); highest among the groups gnomAD compares: Non-Finnish European, 0.0017%; no homozygotes.

Submission:

Labcorp Genetics (formerly Invitae), Labcorp
Classification: Uncertain significance. Last evaluated: 2022-05-15. Review status: criteria provided, single submitter. Criteria: Invitae Variant Classification Sherloc (09022015). Collection method: clinical testing. Allele origin: germline.
Comment: In summary, the available evidence is currently insufficient to determine the role of this variant in disease. Therefore, it has been classified as a Variant of Uncertain Significance. Algorithms developed to predict the effect of missense changes on protein structure and function (SIFT, PolyPhen-2, Align-GVGD) all suggest that this variant is likely to be tolerated. This variant has not been reported in the literature in individuals affected with FCHO1-related conditions. This variant is present in population databases (no rsID available, gnomAD 0.002%). This sequence change replaces methionine, which is neutral and non-polar, with valine, which is neutral and non-polar, at codon 657 of the FCHO1 protein (p.Met657Val).

NM_015122.3(FCHO1):c.1969A>G (p.Met657Val)

Gene: FCHO1 (FCH and mu domain containing endocytic adaptor 1; plus strand). Cytogenetic location: 19p13.11.
Variant type: single nucleotide variant.
Coding change: c.1969A>G on transcript NM_015122.3 (MANE Select); coding-DNA position 1969, A replaced by G.
Protein change: p.Met657Val; replaces methionine 657 with valine.
Molecular consequence: missense variant. On other transcripts: non-coding transcript variant (36).
Genome position (GRCh38, 1-based): chr19:17,783,048, A>G. VCF-style: chr19-17783048-A-G. GRCh37 (hg19) VCF-style: chr19-17893857-A-G.
Other names: c.1969A>G, p.Met657Val (NM_001161357.2, NM_001161358.2, NM_001384370.1 and 13 more transcripts); c.1819A>G, p.Met607Val (NM_001161359.2, NM_001384384.1, NM_001384385.1 and 1 more transcripts); c.1930A>G, p.Met644Val (NM_001384388.1, NM_001384389.1, NM_001384405.1); c.1894A>G, p.Met632Val (NM_001384390.1); c.1852A>G, p.Met618Val (NM_001384392.1, NM_001384393.1, NM_001384394.1 and 1 more transcripts); c.1693A>G, p.Met565Val (NM_001384396.1, NM_001384397.1, NM_001384398.1 and 5 more transcripts); c.1648A>G, p.Met550Val (NM_001384403.1); c.1543A>G, p.Met515Val (NM_001384406.1); and 1 more; short protein forms M467V, M515V, M550V, M607V, M632V, M657V, M565V, M618V.
Identifiers: ClinVar variation 1398632 (VCV001398632.5), dbSNP rs1009114171, ClinGen allele CA306121891.